The following is an entry in ClinVar:

NM_002691.4(POLD1):c.1776-17G>A

Gene: POLD1 (DNA polymerase delta 1, catalytic subunit; plus strand). Cytogenetic location: 19q13.33.
Variant type: single nucleotide variant.
Coding change: c.1776-17G>A on transcript NM_002691.4 (MANE Select); 17 bases into the intron before coding-DNA position 1776, G replaced by A.
Molecular consequence: intron variant. On other transcripts: missense variant (1).
Genome position (GRCh38, 1-based): chr19:50,408,768, G>A. VCF-style: chr19-50408768-G-A. GRCh37 (hg19) VCF-style: chr19-50912025-G-A.
Other names: c.1837G>A, p.Gly613Ser (NM_001308632.1, LRG_785t2); c.1776-17G>A (NM_001256849.1, LRG_785t1); short protein forms G613S.
Identifiers: ClinVar variation 511549 (VCV000511549.8), dbSNP rs1469052163, ClinGen allele CA406981893.

ClinVar aggregate classification (germline): Conflicting classifications of pathogenicity. Review status: criteria provided, conflicting classifications (1 of 4 stars). 2 submissions from 2 submitters: Uncertain significance (1); Likely benign (1). Last evaluated 2025-11-10.

Conditions:
POLD1-related polyposis and colorectal cancer syndrome (CRCS10). Also called: Colorectal cancer 10; COLORECTAL CANCER, SUSCEPTIBILITY TO, ON CHROMOSOME 19q; Colorectal cancer, susceptibility to, 10. Identifiers: Orphanet 220460, MedGen C2675481, MONDO:0012953, OMIM 612591.

Allele frequency attached by ClinVar (database versions not stated): gnomAD exomes below 0.00001 and 0.00001; TOPMed below 0.00001.
gnomAD v4.1: 15 of 1,613,278 alleles (0.00093%); highest among the groups gnomAD compares: African/African-American, 0.0013%; no homozygotes.

Submissions (2):

Labcorp Genetics (formerly Invitae), Labcorp
Classification: Uncertain significance for POLD1-related polyposis and colorectal cancer syndrome. Last evaluated: 2025-11-10. Review status: criteria provided, single submitter. Criteria: Invitae Variant Classification Sherloc (09022015). Collection method: clinical testing. Allele origin: germline.
Comment: This sequence change falls in intron 14 of the POLD1 gene. It does not directly change the encoded amino acid sequence of the POLD1 protein. RNA analysis indicates that this variant induces altered splicing and may result in an absent or disrupted protein product. However, the current clinical and genetic evidence is not sufficient to establish whether loss-of-function variants in POLD1 cause disease. This variant is present in population databases (no rsID available, gnomAD 0.0009%). This variant has not been reported in the literature in individuals affected with POLD1-related conditions. ClinVar contains an entry for this variant (Variation ID: 511549). Studies have shown that this variant results in activation of a cryptic splice site and introduces a premature termination codon (internal data). The resulting mRNA is expected to undergo nonsense-mediated decay. Missense variants that disrupt the 3'-5' exonuclease (proof-reading) activity of the POLD1 protein are associated with PPAP (polymerase proofreading–associated polyposis) (PMID: 23263490, 23447401). However, loss-of-function variants that result in an absent or severely disrupted POLD1 protein, and missense variants outside the exonuclease domain, are unlikely to be associated with PPAP. In summary, the available evidence is currently insufficient to determine the role of this variant in disease. Therefore, it has been classified as a Variant of Uncertain Significance.

GeneDx
Classification: Likely benign. Last evaluated: 2017-08-17. Review status: criteria provided, single submitter. Criteria: GeneDx Variant Classification (06012015). Collection method: clinical testing. Allele origin: germline. Affected: yes.
Comment: This variant is considered likely benign or benign based on one or more of the following criteria: it is a conservative change, it occurs at a poorly conserved position in the protein, it is predicted to be benign by multiple in silico algorithms, and/or has population frequency not consistent with disease.

Literature cited by the submitters: PubMed 23263490 (cited by Labcorp Genetics (formerly Invitae), Labcorp); PubMed 23447401 (cited by Labcorp Genetics (formerly Invitae), Labcorp).